The following is an entry in ClinVar:

NM_001384910.1(GUCA1A):c.85T>C (p.Cys29Arg)

Genes: GUCA1A (guanylate cyclase activator 1A; plus strand), GUCA1ANB-GUCA1A (GUCA1ANB-GUCA1A readthrough; plus strand). Cytogenetic location: 6p21.1.
Variant type: single nucleotide variant.
Coding change: c.85T>C on transcript NM_001384910.1 (MANE Select); coding-DNA position 85, T replaced by C.
Protein change: p.Cys29Arg; replaces cysteine 29 with arginine.
Molecular consequence: missense variant.
Genome position (GRCh38, 1-based): chr6:42,173,698, T>C. VCF-style: chr6-42173698-T-C. GRCh37 (hg19) VCF-style: chr6-42141436-T-C.
Other names: c.85T>C, p.Cys29Arg (NM_000409.5, NM_001319061.2, NM_001319062.2); short protein forms C29R.
Identifiers: ClinVar variation 1943840 (VCV001943840.7), dbSNP rs199885693, ClinGen allele CA3805255.

ClinVar aggregate classification (germline): Uncertain significance. Review status: criteria provided, multiple submitters, no conflicts (2 of 4 stars). 3 submissions from 3 submitters: Uncertain significance (3). Last evaluated 2026-01-12.

Conditions:
Cone dystrophy 3 (COD3). Also called: RETINAL CONE DYSTROPHY. Identifiers: Orphanet 1872, MedGen C1865869, MONDO:0011193, OMIM 602093.

Allele frequency attached by ClinVar (database versions not stated): gnomAD 0.00003; TOPMed 0.00003; 1000 Genomes Project 30x 0.00016; 1000 Genomes Project 0.00020.
gnomAD v4.1: 10 of 1,613,852 alleles (0.00062%); highest among the groups gnomAD compares: African/African-American, 0.0093%; no homozygotes.

Submissions (3):

3billion
Classification: Uncertain significance for Cone dystrophy 3. Last evaluated: 2026-01-12. Review status: criteria provided, single submitter. Criteria: ACMG Guidelines, 2015. Collection method: clinical testing. Allele origin: germline. Affected: yes.
Comment: The variant is observed at an extremely low frequency in the gnomAD v4.1.0 dataset (total allele frequency: <0.001%). Predicted Consequence/Location: Missense variant. Missense changes are a common disease-causing mechanism. In silico tool predictions suggest damaging effect of the variant on gene or gene product [REVEL: 0.74 (>=0.6, sensitivity 0.68 and specificity 0.92)]. The variant has been reported as of uncertain significance (ClinVar ID: VCV001943840). Different missense changes at the same codon have been reported as of uncertain significance (ClinVar ID: VCV001977312). Therefore, this variant is classified as VUS according to the recommendation of ACMG/AMP guideline.

Labcorp Genetics (formerly Invitae), Labcorp
Classification: Uncertain significance. Last evaluated: 2024-03-01. Review status: criteria provided, single submitter. Criteria: Invitae Variant Classification Sherloc (09022015). Collection method: clinical testing. Allele origin: germline.
Comment: This sequence change replaces cysteine, which is neutral and slightly polar, with arginine, which is basic and polar, at codon 29 of the GUCA1A protein (p.Cys29Arg). This variant is present in population databases (rs199885693, gnomAD 0.01%). This variant has not been reported in the literature in individuals affected with GUCA1A-related conditions. ClinVar contains an entry for this variant (Variation ID: 1943840). An algorithm developed to predict the effect of missense changes on protein structure and function (PolyPhen-2) suggests that this variant is likely to be disruptive. In summary, the available evidence is currently insufficient to determine the role of this variant in disease. Therefore, it has been classified as a Variant of Uncertain Significance.

Blueprint Genetics
Classification: Uncertain significance. Last evaluated: 2019-05-09. Review status: criteria provided, single submitter. Criteria: ACMG Guidelines, 2015. Collection method: clinical testing. Allele origin: germline.